The following is an entry in ClinVar:

ClinVar aggregate classification (germline): Pathogenic (1 of 4 stars; one submission).

Submission:

CeGaT Center for Human Genetics Tuebingen
Classification: Pathogenic. Last evaluated: 2025-12-01. Review status: criteria provided, single submitter. Criteria: CeGaT Center For Human Genetics Tuebingen Variant Classification Criteria Version 2. Collection method: clinical testing. Allele origin: germline. Affected: yes. Observed: 2 variant alleles.
Comment: PNPLA1: PP1:Strong, PM2, PM3, PM5:Supporting, PP3

NM_001374623.1(PNPLA1):c.56C>T (p.Ser19Leu)

Gene: PNPLA1 (patatin like domain 1, omega-hydroxyceramide transacylase; plus strand). Cytogenetic location: 6p21.31.
Variant type: single nucleotide variant.
Coding change: c.56C>T on transcript NM_001374623.1 (MANE Select); coding-DNA position 56, C replaced by T.
Protein change: p.Ser19Leu; replaces serine 19 with leucine.
Molecular consequence: missense variant. On other transcripts: intron variant (2).
Genome position (GRCh38, 1-based): chr6:36,270,515, C>T. VCF-style: chr6-36270515-C-T. GRCh37 (hg19) VCF-style: chr6-36238292-C-T.
Other names: c.56C>T, p.Ser19Leu (NM_001145717.1); c.-80-20805C>T (NM_001145716.2, NM_173676.2); short protein forms S19L.
Identifiers: ClinVar variation 4281245 (VCV004281245.7).